The following is an entry in ClinVar:

ClinVar aggregate classification (germline): Uncertain significance (1 of 4 stars; one submission).

gnomAD v4.1: 5 of 1,612,548 alleles (0.00031%); highest among the groups gnomAD compares: Non-Finnish European, 0.000085%; no homozygotes.

Submission:

Labcorp Genetics (formerly Invitae), Labcorp
Classification: Uncertain significance. Last evaluated: 2022-05-24. Review status: criteria provided, single submitter. Criteria: Invitae Variant Classification Sherloc (09022015). Collection method: clinical testing. Allele origin: germline.
Comment: This sequence change replaces valine, which is neutral and non-polar, with phenylalanine, which is neutral and non-polar, at codon 1450 of the USH2A protein (p.Val1450Phe). This variant is present in population databases (no rsID available, gnomAD 0.0009%). This variant has not been reported in the literature in individuals affected with USH2A-related conditions. Algorithms developed to predict the effect of missense changes on protein structure and function are either unavailable or do not agree on the potential impact of this missense change (SIFT: "Deleterious"; PolyPhen-2: "Possibly Damaging"; Align-GVGD: "Class C0"). In summary, the available evidence is currently insufficient to determine the role of this variant in disease. Therefore, it has been classified as a Variant of Uncertain Significance.

NM_206933.4(USH2A):c.4348G>T (p.Val1450Phe)

Gene: USH2A (usherin; minus strand). Cytogenetic location: 1q41.
Variant type: single nucleotide variant.
Coding change: c.4348G>T on transcript NM_206933.4 (MANE Select); coding-DNA position 4348, G replaced by T.
Protein change: p.Val1450Phe; replaces valine 1450 with phenylalanine.
Molecular consequence: missense variant.
Genome position (GRCh38, 1-based): chr1:216,190,271, C>A on the plus strand (G>T on the coding strand, the complement: USH2A is on the minus strand). VCF-style: chr1-216190271-C-A. GRCh37 (hg19) VCF-style: chr1-216363613-C-A.
Other names: c.4348G>T, p.Val1450Phe (NM_007123.6); short protein forms V1450F.
Identifiers: ClinVar variation 2056559 (VCV002056559.2), dbSNP rs768615723, ClinGen allele CA344865222.
Genomic context (GRCh38, chr1:216,190,271, plus strand): 5'-AAACTTGCTTACCTGCTGCTAAAGTTTGTCCTGCTCCCGAAGCACTGGTCACACAACCAA[C>A]TGAATTGCAGAGAGTAATAGTAAACTCATATATCCTATAAGGTTTCAGTCCTTCTACAGT-3'
Protein context (NP_996816.3, residues 1440-1460): YEFTITLCNS[Val1450Phe]GCVTSASGAG